The following is an entry in ClinVar:

ClinVar aggregate classification (germline): Uncertain significance. Review status: criteria provided, multiple submitters, no conflicts (2 of 4 stars). 4 submissions from 4 submitters: Uncertain significance (4). Last evaluated 2024-03-07.

Conditions:
Hereditary cancer-predisposing syndrome. Also called: Tumor predisposition; Hereditary Cancer Syndrome; Hereditary neoplastic syndrome; Neoplastic Syndromes, Hereditary. Identifiers: Orphanet 140162, MedGen C0027672, MeSH D009386, MONDO:0015356.
Multiple endocrine neoplasia, type 2 (MEN2). Identifiers: Orphanet 653, MedGen C4048306, MONDO:0019003. Disease mechanism: gain of function.
Hirschsprung disease, susceptibility to, 1 (HSCR1). Also called: RET-Related Hirschsprung Disease. Identifiers: Orphanet 388, MedGen C3888239, MONDO:0007723, OMIM 142623.

Allele frequency attached by ClinVar (database versions not stated): gnomAD exomes 0.00001; ExAC 0.00002.
gnomAD v4.1: 14 of 1,612,992 alleles (0.00087%); highest among the groups gnomAD compares: South Asian, 0.0011%; no homozygotes.

Submissions (4):

Labcorp Genetics (formerly Invitae), Labcorp
Classification: Uncertain significance for Multiple endocrine neoplasia, type 2. Last evaluated: 2024-03-07. Review status: criteria provided, single submitter. Criteria: Invitae Variant Classification Sherloc (09022015). Collection method: clinical testing. Allele origin: germline.
Comment: This sequence change replaces serine, which is neutral and polar, with arginine, which is basic and polar, at codon 832 of the RET protein (p.Ser832Arg). This variant is present in population databases (rs764979358, gnomAD 0.002%). This variant has not been reported in the literature in individuals affected with RET-related conditions. ClinVar contains an entry for this variant (Variation ID: 486338). An algorithm developed to predict the effect of missense changes on protein structure and function (PolyPhen-2) suggests that this variant is likely to be tolerated. In summary, the available evidence is currently insufficient to determine the role of this variant in disease. Therefore, it has been classified as a Variant of Uncertain Significance.

Ambry Genetics
Classification: Uncertain significance for Hereditary cancer-predisposing syndrome. Last evaluated: 2024-01-16. Review status: criteria provided, single submitter. Criteria: Ambry Variant Classification Scheme 2023. Collection method: clinical testing. Allele origin: germline.
Comment: The p.S832R variant (also known as c.2496C>G), located in coding exon 14 of the RET gene, results from a C to G substitution at nucleotide position 2496. The serine at codon 832 is replaced by arginine, an amino acid with dissimilar properties. This amino acid position is not well conserved in available vertebrate species. In addition, the in silico prediction for this alteration is inconclusive. Since supporting evidence is limited at this time, the clinical significance of this alteration remains unclear.

Baylor Genetics
Classification: Uncertain significance for Hirschsprung disease, susceptibility to, 1. Last evaluated: 2023-10-04. Review status: criteria provided, single submitter. Criteria: ACMG Guidelines, 2015. Collection method: clinical testing. Allele origin: unknown.

All of Us Research Program, National Institutes of Health
Classification: Uncertain significance for Multiple endocrine neoplasia, type 2. Last evaluated: 2023-09-17. Review status: criteria provided, single submitter. Criteria: ACMG Guidelines, 2015. Collection method: clinical testing. Allele origin: germline. Inheritance: Autosomal dominant inheritance. Observed: 2 variant alleles, 2 heterozygotes.
Comment: This missense variant replaces serine with arginine at codon 832 of the RET protein. Computational prediction suggests that this variant may not impact protein structure and function (internally defined REVEL score threshold <= 0.5, PMID: 27666373). To our knowledge, functional studies have not been reported for this variant. This variant has not been reported in individuals affected with hereditary cancer in the literature. This variant has been identified in 2/249076 chromosomes in the general population by the Genome Aggregation Database (gnomAD). The available evidence is insufficient to determine the role of this variant in disease conclusively. Therefore, this variant is classified as a Variant of Uncertain Significance.

This study involves interpretation of variants in research participants for the purpose of population health screening. Participant phenotype was not available at the time of variant classification. Additional details can be found in publication PMID: 35346344, PMCID: PMC8962531

NM_020975.6(RET):c.2496C>G (p.Ser832Arg)

Gene: RET (ret proto-oncogene; plus strand). Cytogenetic location: 10q11.21.
Variant type: single nucleotide variant.
Coding change: c.2496C>G on transcript NM_020975.6 (MANE Select); coding-DNA position 2496, C replaced by G.
Protein change: p.Ser832Arg; replaces serine 832 with arginine.
Molecular consequence: missense variant.
Genome position (GRCh38, 1-based): chr10:43,119,634, C>G. VCF-style: chr10-43119634-C-G. GRCh37 (hg19) VCF-style: chr10-43615082-C-G.
Other names: c.2496C>G, p.Ser832Arg (NM_000323.2, NM_001406743.1, NM_001406744.1 and 4 more transcripts); c.1734C>G, p.Ser578Arg (NM_001355216.2); c.2367C>G, p.Ser789Arg (NM_001406761.1, NM_001406762.1, NM_001406764.1); c.2361C>G, p.Ser787Arg (NM_001406763.1, NM_001406765.1); c.2208C>G, p.Ser736Arg (NM_001406766.1, NM_001406767.1, NM_001406770.1); c.2232C>G, p.Ser744Arg (NM_001406768.1); c.2100C>G, p.Ser700Arg (NM_001406769.1, NM_001406772.1); c.2058C>G, p.Ser686Arg (NM_001406771.1, NM_001406773.1); and 10 more; short protein forms S832R, S578R, S502R, S533R, S686R, S397R, S493R, S657R.
Identifiers: ClinVar variation 486338 (VCV000486338.14), dbSNP rs764979358, ClinGen allele CA039457.